The following is an entry in ClinVar:

ClinVar aggregate classification (germline): Uncertain significance (1 of 4 stars; one submission).

Submission:

Labcorp Genetics (formerly Invitae), Labcorp
Classification: Uncertain significance. Last evaluated: 2024-05-28. Review status: criteria provided, single submitter. Criteria: Invitae Variant Classification Sherloc (09022015). Collection method: clinical testing. Allele origin: germline.
Comment: This variant results in the deletion of part of exon 20 (c.2353-4_2354del) of the ADGRE2 gene. It is expected to disrupt RNA splicing. Variants that disrupt the donor or acceptor splice site typically lead to a loss of protein function (PMID: 16199547), however the current clinical and genetic evidence is not sufficient to establish whether loss-of-function variants in ADGRE2 cause disease. This variant is not present in population databases (gnomAD no frequency). This variant has not been reported in the literature in individuals affected with ADGRE2-related conditions. In summary, the available evidence is currently insufficient to determine the role of this variant in disease. Therefore, it has been classified as a Variant of Uncertain Significance.

Literature cited by the submitters: PubMed 16199547.

NM_013447.4(ADGRE2):c.2353-4_2354del

Gene: ADGRE2 (adhesion G protein-coupled receptor E2; minus strand). Cytogenetic location: 19p13.12.
Variant type: Deletion.
Coding change: c.2353-4_2354del on transcript NM_013447.4 (MANE Select); 4 bases into the intron before coding-DNA position 2353 through coding-DNA position 2354, 6 bases deleted (GCAGGT; older notation c.2353-4_2354delGCAGGT).
Molecular consequence: splice acceptor variant.
Genome position (GRCh38, 1-based): chr19:14,743,529-14,743,534, ACCTGC deleted on the plus strand (GCAGGT on the coding strand, the reverse complement: ADGRE2 is on the minus strand); deleting any 6 consecutive bases within chr19:14,743,529-14,743,535 gives the same sequence; the c. name uses the placement nearest the transcript's 3' end. VCF-style (leftmost placement, unchanged base first): chr19-14743528-GACCTGC-G. GRCh37 (hg19) VCF-style: chr19-14854340-GACCTGC-G.
Other names: c.2074-4_2075del (NM_152917.2); c.2206-4_2207del (NM_152916.2); c.2179-4_2180del (NM_001271052.1).
Identifiers: ClinVar variation 3675433 (VCV003675433.2).